The following is an entry in ClinVar:

ClinVar aggregate classification (germline): Likely benign. Review status: criteria provided, multiple submitters, no conflicts (2 of 4 stars). 3 submissions from 3 submitters: Likely benign (3). Last evaluated 2026-07-06.

Conditions:
Hereditary cancer-predisposing syndrome. Also called: Neoplastic Syndromes, Hereditary; Tumor predisposition; Hereditary Cancer Syndrome; Hereditary neoplastic syndrome. Identifiers: Orphanet 140162, MedGen C0027672, MeSH D009386, MONDO:0015356.
Rhabdoid tumor predisposition syndrome 2 (RTPS2). Identifiers: Orphanet 231108, Orphanet 69077, MedGen C2750074, MONDO:0013224, OMIM 613325.

Allele frequency attached by ClinVar (database versions not stated): ExAC 0.00002; gnomAD exomes 0.00001 and 0.00002; TOPMed 0.00001.
gnomAD v4.1: 8 of 1,610,636 alleles (0.0005%); highest among the groups gnomAD compares: Admixed American, 0.012%; no homozygotes.

Submissions (3):

Myriad Genetics, Inc.
Classification: Likely benign for Rhabdoid tumor predisposition syndrome 2. Last evaluated: 2026-07-06. Review status: criteria provided, single submitter. Criteria: Myriad Autosomal Dominant, Autosomal Recessive and X-Linked Classification Criteria (2023). Collection method: clinical testing. Allele origin: unknown.
Comment: This variant is considered likely benign. This variant is intronic and is not expected to impact mRNA splicing.

Labcorp Genetics (formerly Invitae), Labcorp
Classification: Likely benign for Rhabdoid tumor predisposition syndrome 2. Last evaluated: 2025-12-21. Review status: criteria provided, single submitter. Criteria: Invitae Variant Classification Sherloc (09022015). Collection method: clinical testing. Allele origin: germline.

Sema4
Classification: Likely benign for Hereditary cancer-predisposing syndrome. Last evaluated: 2022-03-04. Review status: criteria provided, single submitter. Criteria: Sema4 Curation Guidelines. Collection method: curation. Allele origin: germline.

NM_003072.5(SMARCA4):c.356-12C>T

Gene: SMARCA4 (SWI/SNF related BAF chromatin remodeling complex subunit ATPase 4; plus strand). Cytogenetic location: 19p13.2.
Variant type: single nucleotide variant.
Coding change: c.356-12C>T on transcript NM_003072.5 (MANE Select); 12 bases into the intron before coding-DNA position 356, C replaced by T.
Molecular consequence: intron variant.
Genome position (GRCh38, 1-based): chr19:10,986,177, C>T. VCF-style: chr19-10986177-C-T. GRCh37 (hg19) VCF-style: chr19-11096853-C-T.
Other names: c.356-12C>T (NM_001128844.3, NM_001128849.3, NM_001128847.4 and 5 more transcripts).
Identifiers: ClinVar variation 1653872 (VCV001653872.10), dbSNP rs765020361, ClinGen allele CA9203487.